The following is an entry in ClinVar:

NM_022437.3(ABCG8):c.1837T>C (p.Tyr613His)

Gene: ABCG8 (ATP binding cassette subfamily G member 8; plus strand). Cytogenetic location: 2p21.
Variant type: single nucleotide variant.
Coding change: c.1837T>C on transcript NM_022437.3 (MANE Select); coding-DNA position 1837, T replaced by C.
Protein change: p.Tyr613His; replaces tyrosine 613 with histidine.
Molecular consequence: missense variant.
Genome position (GRCh38, 1-based): chr2:43,877,641, T>C. VCF-style: chr2-43877641-T-C. GRCh37 (hg19) VCF-style: chr2-44104780-T-C.
Other names: c.1834T>C, p.Tyr612His (NM_001357321.2); short protein forms Y613H, Y612H.
Identifiers: ClinVar variation 288712 (VCV000288712.14), dbSNP rs189249032, ClinGen allele CA1637677.

ClinVar aggregate classification (germline): Uncertain significance. Review status: criteria provided, multiple submitters, no conflicts (2 of 4 stars). 5 submissions from 5 submitters: Uncertain significance (4). 1 of the submissions does not count toward it. Last evaluated 2024-07-31.

Conditions:
ABCG8-related disorder. Also called: ABCG8-related condition.

Allele frequency attached by ClinVar (database versions not stated): gnomAD 0.00007 and 0.00006; TOPMed 0.00009; 1000 Genomes Project 0.00020; 1000 Genomes Project 30x 0.00031; ExAC 0.00003; gnomAD exomes 0.00006.
gnomAD v4.1: 63 of 1,614,076 alleles (0.0039%); highest among the groups gnomAD compares: Middle Eastern, 0.049%; 1 homozygote.

Submissions (5):

Labcorp Genetics (formerly Invitae), Labcorp
Classification: Uncertain significance. Last evaluated: 2024-07-31. Review status: criteria provided, single submitter. Criteria: Invitae Variant Classification Sherloc (09022015). Collection method: clinical testing. Allele origin: germline.
Comment: This sequence change replaces tyrosine, which is neutral and polar, with histidine, which is basic and polar, at codon 613 of the ABCG8 protein (p.Tyr613His). This variant is present in population databases (rs189249032, gnomAD 0.01%). This variant has not been reported in the literature in individuals affected with ABCG8-related conditions. ClinVar contains an entry for this variant (Variation ID: 288712). Advanced modeling of protein sequence and biophysical properties (such as structural, functional, and spatial information, amino acid conservation, physicochemical variation, residue mobility, and thermodynamic stability) performed at Invitae indicates that this missense variant is not expected to disrupt ABCG8 protein function with a negative predictive value of 80%. In summary, the available evidence is currently insufficient to determine the role of this variant in disease. Therefore, it has been classified as a Variant of Uncertain Significance.

Mayo Clinic Laboratories, Mayo Clinic
Classification: Uncertain significance. Last evaluated: 2020-11-25. Review status: criteria provided, single submitter. Criteria: ACMG Guidelines, 2015. Collection method: clinical testing. Allele origin: germline. Observed: 1 variant allele.

Eurofins Ntd Llc (ga)
Classification: Uncertain significance. Last evaluated: 2018-04-17. Review status: criteria provided, single submitter. Criteria: EGL ClinVar v180209 classification definitions. Collection method: clinical testing. Allele origin: germline. Observed: 3 variant alleles, 3 heterozygotes.

Breakthrough Genomics
Classification: Uncertain significance. Review status: criteria provided, single submitter. Criteria: ACMG Guidelines, 2015. Collection method: not provided. Allele origin: germline. Inheritance: Autosomal recessive inheritance. Affected: yes.

PreventionGenetics, part of Exact Sciences
Classification: Uncertain significance for ABCG8-related condition. Last evaluated: 2024-02-08. Review status: no assertion criteria provided. Collection method: clinical testing. Allele origin: germline. Not counted in ClinVar's aggregate classification.
Comment: The ABCG8 c.1837T>C variant is predicted to result in the amino acid substitution p.Tyr613His. To our knowledge, this variant has not been reported in the literature. This variant is reported in 0.017% of alleles in individuals of Latino descent in gnomAD. At this time, the clinical significance of this variant is uncertain due to the absence of conclusive functional and genetic evidence.